The following is an entry in ClinVar:

NC_000004.11:g.(?_493125)_(998181_?)del

Genes: ATP5ME (ATP synthase membrane subunit e; minus strand), CPLX1 (complexin 1; minus strand), DGKQ (diacylglycerol kinase theta; minus strand), GAK (cyclin G associated kinase; minus strand), IDUA (alpha-L-iduronidase; plus strand) and 8 more. Cytogenetic location: 4p16.3.
Variant type: Deletion.
Identifiers: ClinVar variation 1070482 (VCV001070482.1).

ClinVar aggregate classification (germline): Pathogenic (1 of 4 stars; one submission).

Conditions:
Intellectual disability, autosomal recessive 53 (NEDHSCA). Also called: GLYCOSYLPHOSPHATIDYLINOSITOL BIOSYNTHESIS DEFECT 13; Mental retardation, autosomal recessive 53; NEURODEVELOPMENTAL DISORDER WITH OR WITHOUT HYPOTONIA, SEIZURES, AND CEREBELLAR ATROPHY. Identifiers: Orphanet 488635, MedGen C4310794, MONDO:0014832, OMIM 616917.

Submission:

Labcorp Genetics (formerly Invitae), Labcorp
Classification: Pathogenic for Intellectual disability, autosomal recessive 53. Last evaluated: 2020-09-20. Review status: criteria provided, single submitter. Criteria: Invitae Variant Classification Sherloc (09022015). Collection method: clinical testing. Allele origin: germline.
Comment: A gross deletion of the genomic region encompassing the full coding sequence of the PIGG gene has been identified. The boundaries of this event are unknown as the deletion extends beyond the assayed region for this gene and therefore may encompass additional genes. Isolated whole-gene deletions of PIGG have not been reported in the literature. However, larger copy number events that include this gene have been reported (PMID: 26996948). Loss-of-function variants in PIGG are known to be pathogenic (PMID: 26996948, 28581210, 28771251). For these reasons, this variant has been classified as Pathogenic.

Literature cited by the submitters: PubMed 26996948; PubMed 28581210; PubMed 28771251.